The following is an entry in ClinVar:

NM_000327.4(ROM1):c.749C>G (p.Ala250Gly)

Gene: ROM1 (retinal outer segment membrane protein 1; plus strand). Cytogenetic location: 11q12.3.
Variant type: single nucleotide variant.
Coding change: c.749C>G on transcript NM_000327.4 (MANE Select); coding-DNA position 749, C replaced by G.
Protein change: p.Ala250Gly; replaces alanine 250 with glycine.
Molecular consequence: missense variant.
Genome position (GRCh38, 1-based): chr11:62,614,416, C>G. VCF-style: chr11-62614416-C-G. GRCh37 (hg19) VCF-style: chr11-62381888-C-G.
Other names: short protein forms A250G.
Identifiers: ClinVar variation 3661205 (VCV003661205.2).

ClinVar aggregate classification (germline): Uncertain significance (1 of 4 stars; one submission).

Submission:

Labcorp Genetics (formerly Invitae), Labcorp
Classification: Uncertain significance. Last evaluated: 2024-08-13. Review status: criteria provided, single submitter. Criteria: Invitae Variant Classification Sherloc (09022015). Collection method: clinical testing. Allele origin: germline.
Comment: This sequence change replaces alanine, which is neutral and non-polar, with glycine, which is neutral and non-polar, at codon 250 of the ROM1 protein (p.Ala250Gly). This variant is not present in population databases (gnomAD no frequency). This variant has not been reported in the literature in individuals affected with ROM1-related conditions. Invitae Evidence Modeling of protein sequence and biophysical properties (such as structural, functional, and spatial information, amino acid conservation, physicochemical variation, residue mobility, and thermodynamic stability) indicates that this missense variant is not expected to disrupt ROM1 protein function with a negative predictive value of 80%. In summary, the available evidence is currently insufficient to determine the role of this variant in disease. Therefore, it has been classified as a Variant of Uncertain Significance.